The following is an entry in ClinVar:

ClinVar aggregate classification (germline): Conflicting classifications of pathogenicity. Review status: criteria provided, conflicting classifications (1 of 4 stars). 4 submissions from 4 submitters: Likely pathogenic (1); Uncertain significance (3). Last evaluated 2024-10-22.

Conditions:
3-methylcrotonyl-CoA carboxylase 2 deficiency. Also called: METHYLCROTONYLGLYCINURIA, TYPE II; 3 alpha methylcrotonyl-CoA carboxylase 2 deficiency; 3 alpha methylcrotonylglycinuria 2; MCC 2 deficiency; Methylcrotonylglycinuria type 2. Identifiers: Orphanet 6, MedGen C1859499, MONDO:0008862, OMIM 210210.

Submissions (4):

Women's Health and Genetics/Laboratory Corporation of America, LabCorp
Classification: Uncertain significance. Last evaluated: 2024-10-22. Review status: criteria provided, single submitter. Criteria: LabCorp Variant Classification Summary - May 2015. Collection method: clinical testing. Allele origin: germline.
Comment: Variant summary: MCCC2 c.632T>G (p.Val211Gly) results in a non-conservative amino acid change located in the Acetyl-coenzyme A carboxyltransferase, N-terminal of the encoded protein sequence. Five of five in-silico tools predict a damaging effect of the variant on protein function. The variant was absent in 251388 control chromosomes. The available data on variant occurrences in the general population are insufficient to allow any conclusion about variant significance. c.632T>G has been reported in the literature in the context Inborn Errors of Metabolism in a Newborn screening (Adhikari_2022). These report(s) do not provide unequivocal conclusions about association of the variant with Methylcrotonyl-CoA Carboxylase Deficiency. To our knowledge, no experimental evidence demonstrating an impact on protein function has been reported. The following publication have been ascertained in the context of this evaluation (PMID: 32778825). ClinVar contains an entry for this variant (Variation ID: 2136201). Based on the evidence outlined above, the variant was classified as uncertain significance.

Revvity Omics, Revvity
Classification: Uncertain significance for 3-methylcrotonyl-CoA carboxylase 2 deficiency. Last evaluated: 2023-03-13. Review status: criteria provided, single submitter. Criteria: ACMG Guidelines, 2015. Collection method: clinical testing. Allele origin: germline.

Labcorp Genetics (formerly Invitae), Labcorp
Classification: Uncertain significance for 3-methylcrotonyl-CoA carboxylase 2 deficiency. Last evaluated: 2022-07-25. Review status: criteria provided, single submitter. Criteria: Invitae Variant Classification Sherloc (09022015). Collection method: clinical testing. Allele origin: germline.
Comment: This sequence change replaces valine, which is neutral and non-polar, with glycine, which is neutral and non-polar, at codon 211 of the MCCC2 protein (p.Val211Gly). In summary, the available evidence is currently insufficient to determine the role of this variant in disease. Therefore, it has been classified as a Variant of Uncertain Significance. Advanced modeling of protein sequence and biophysical properties (such as structural, functional, and spatial information, amino acid conservation, physicochemical variation, residue mobility, and thermodynamic stability) performed at Invitae indicates that this missense variant is expected to disrupt MCCC2 protein function. This missense change has been observed in individual(s) with 3-methylcrotonyl-CoA carboxylase deficiency (Invitae). This variant is not present in population databases (gnomAD no frequency).

GeneDx
Classification: Likely pathogenic. Last evaluated: 2022-07-18. Review status: criteria provided, single submitter. Criteria: GeneDx Variant Classification Process June 2021. Collection method: clinical testing. Allele origin: germline. Affected: yes.
Comment: Not observed at significant frequency in large population cohorts (gnomAD); In silico analysis supports that this missense variant has a deleterious effect on protein structure/function; Reported previously in a data set of newborns undergoing exome sequencing for inborn errors of metabolism; clinical information not provided (Adhikari et al., 2020); This variant is associated with the following publications: (PMID: 32778825)

Literature cited by the submitters: PubMed 32778825 (cited by Women's Health and Genetics/Laboratory Corporation of America, LabCorp).

NM_022132.5(MCCC2):c.632T>G (p.Val211Gly)

Gene: MCCC2 (methylcrotonyl-CoA carboxylase subunit 2; plus strand). Cytogenetic location: 5q13.2.
Variant type: single nucleotide variant.
Coding change: c.632T>G on transcript NM_022132.5 (MANE Select); coding-DNA position 632, T replaced by G.
Protein change: p.Val211Gly; replaces valine 211 with glycine.
Molecular consequence: missense variant. On other transcripts: intron variant (1).
Genome position (GRCh38, 1-based): chr5:71,626,647, T>G. VCF-style: chr5-71626647-T-G. GRCh37 (hg19) VCF-style: chr5-70922474-T-G.
Other names: c.625-5474T>G (NM_001363147.1); c.632T>G (NM_022132.4); short protein forms V211G.
Identifiers: ClinVar variation 2136201 (VCV002136201.6), dbSNP rs2530808483, ClinGen allele CA359983096.